The following is an entry in ClinVar:

ClinVar aggregate classification (germline): Likely benign (1 of 4 stars; one submission).

Allele frequency attached by ClinVar (database versions not stated): 1000 Genomes Project 0.00080; 1000 Genomes Project 30x 0.00094; ExAC 0.00119; gnomAD 0.00131; TOPMed 0.00168; ESP Exome Variant Server 0.00192.
gnomAD v4.1: 3,370 of 1,614,100 alleles (0.21%); highest among the groups gnomAD compares: Non-Finnish European, 0.26%; 8 homozygotes.

Submission:

CeGaT Center for Human Genetics Tuebingen
Classification: Likely benign. Last evaluated: 2023-08-01. Review status: criteria provided, single submitter. Criteria: CeGaT Center For Human Genetics Tuebingen Variant Classification Criteria Version 2. Collection method: clinical testing. Allele origin: germline. Affected: yes. Observed: 1 variant allele.
Comment: UNC5B: BP4, BP7

NM_170744.5(UNC5B):c.267C>T (p.Asn89=)

Gene: UNC5B (unc-5 netrin receptor B; plus strand). Cytogenetic location: 10q22.1.
Variant type: single nucleotide variant.
Coding change: c.267C>T on transcript NM_170744.5 (MANE Select); coding-DNA position 267, C replaced by T.
Protein change: p.Asn89=; no amino-acid change (asparagine 89 retained).
Molecular consequence: synonymous variant.
Genome position (GRCh38, 1-based): chr10:71,280,008, C>T. VCF-style: chr10-71280008-C-T. GRCh37 (hg19) VCF-style: chr10-73039765-C-T.
Other names: c.267C>T, p.Asn89= (NM_001244889.2).
Identifiers: ClinVar variation 2640564 (VCV002640564.24), dbSNP rs145277612, ClinGen allele CA5541756.